The following is an entry in ClinVar:

ClinVar aggregate classification (germline): Uncertain significance (1 of 4 stars; one submission).

Submission:

Labcorp Genetics (formerly Invitae), Labcorp
Classification: Uncertain significance. Last evaluated: 2022-08-07. Review status: criteria provided, single submitter. Criteria: Invitae Variant Classification Sherloc (09022015). Collection method: clinical testing. Allele origin: germline.
Comment: This sequence change replaces arginine, which is basic and polar, with serine, which is neutral and polar, at codon 1766 of the SBF1 protein (p.Arg1766Ser). This variant is not present in population databases (gnomAD no frequency). This variant has not been reported in the literature in individuals affected with SBF1-related conditions. Algorithms developed to predict the effect of missense changes on protein structure and function (SIFT, PolyPhen-2, Align-GVGD) all suggest that this variant is likely to be tolerated. In summary, the available evidence is currently insufficient to determine the role of this variant in disease. Therefore, it has been classified as a Variant of Uncertain Significance.

NM_002972.4(SBF1):c.5296C>A (p.Arg1766Ser)

Gene: SBF1 (SET binding factor 1; minus strand). Cytogenetic location: 22q13.33.
Variant type: single nucleotide variant.
Coding change: c.5296C>A on transcript NM_002972.4 (MANE Select); coding-DNA position 5296, C replaced by A.
Protein change: p.Arg1766Ser; replaces arginine 1766 with serine.
Molecular consequence: missense variant.
Genome position (GRCh38, 1-based): chr22:50,448,300, G>T on the plus strand (C>A on the coding strand, the complement: SBF1 is on the minus strand). VCF-style: chr22-50448300-G-T. GRCh37 (hg19) VCF-style: chr22-50886729-G-T.
Other names: c.5221C>A, p.Arg1741Ser (NM_001365819.1); c.5299C>A, p.Arg1767Ser (NM_001410794.1); c.5218C>A, p.Arg1740Ser (NM_001410795.1); c.5296C>A, p.Arg1766Ser (NM_197971.1); short protein forms R1741S, R1767S, R1766S, R1740S.
Identifiers: ClinVar variation 2103753 (VCV002103753.1), dbSNP rs751627335, ClinGen allele CA412186636.